The following is an entry in ClinVar:

ClinVar aggregate classification (germline): Uncertain significance (1 of 4 stars; one submission).

Submission:

GeneDx
Classification: Uncertain significance. Last evaluated: 2024-03-01. Review status: criteria provided, single submitter. Criteria: GeneDx Variant Classification Process June 2021. Collection method: clinical testing. Allele origin: germline. Affected: yes.
Comment: Not observed at significant frequency in large population cohorts (gnomAD); In silico analysis supports that this variant does not alter protein structure/function; Has not been previously published as pathogenic or benign to our knowledge

NM_001378454.1(ALMS1):c.12217_12221delinsAAGAG (p.Gln4073_Thr4074delinsLysSer)

Genes: ALMS1 (ALMS1 centrosome and basal body associated protein; plus strand), LOC126806252 (BRD4-independent group 4 enhancer GRCh37_chr2:73828496-73829695; plus strand). Cytogenetic location: 2p13.1.
Variant type: Indel.
Coding change: c.12217_12221delinsAAGAG on transcript NM_001378454.1 (MANE Select); coding-DNA positions 12217 to 12221, CAGAC replaced by AAGAG.
Protein change: p.Gln4073_Thr4074delinsLysSer.
Molecular consequence: missense variant.
Genome position (GRCh38, 1-based): chr2:73,602,287-73,602,291, CAGAC replaced by AAGAG. VCF-style: chr2-73602287-CAGAC-AAGAG. GRCh37 (hg19) VCF-style: chr2-73829414-CAGAC-AAGAG.
Other names: c.12220_12224delinsAAGAG, p.Gln4074_Thr4075delinsLysSer (NM_015120.4).
Identifiers: ClinVar variation 3369678 (VCV003369678.1).
Genomic context (GRCh38, chr2:73,602,287, plus strand): 5'-GGGGAGCGGATAAAGCGCCTGAAGTTAATAGTCCAGGAGAGGAAGCTGCAGAGCATGTTA[CAGAC>AAGAG]CGAGCGGGATGCACTATTCAACATTGACAGGGAACGGCAGGGCCACCAGAATCGCATGTG-3'